The following is an entry in ClinVar:

ClinVar aggregate classification (germline): Uncertain significance (1 of 4 stars; one submission).

Submission:

GeneDx
Classification: Uncertain significance. Last evaluated: 2025-12-01. Review status: criteria provided, single submitter. Criteria: GeneDx Variant Classification Process June 2021. Collection method: clinical testing. Allele origin: germline.
Comment: Not observed at significant frequency in large population cohorts (gnomAD); In silico analysis supports that this missense variant has a deleterious effect on protein structure/function; Has not been previously published as pathogenic or benign to our knowledge

NM_021956.5(GRIK2):c.2492T>C (p.Leu831Ser)

Gene: GRIK2 (glutamate ionotropic receptor kainate type subunit 2; plus strand). Cytogenetic location: 6q16.3.
Variant type: single nucleotide variant.
Coding change: c.2492T>C on transcript NM_021956.5 (MANE Select); coding-DNA position 2492, T replaced by C.
Protein change: p.Leu831Ser; replaces leucine 831 with serine.
Molecular consequence: missense variant.
Genome position (GRCh38, 1-based): chr6:102,055,510, T>C. VCF-style: chr6-102055510-T-C. GRCh37 (hg19) VCF-style: chr6-102503385-T-C.
Other names: c.2492T>C, p.Leu831Ser (NM_001166247.1, NM_175768.3); short protein forms L831S.
Identifiers: ClinVar variation 2663002 (VCV002663002.2), dbSNP rs2485417462, ClinGen allele CA365311732.